The following is an entry in ClinVar:

NM_000051.4(ATM):c.37_49del (p.Arg13fs)

Gene: ATM (ATM serine/threonine kinase; plus strand). Cytogenetic location: 11q22.3.
Variant type: Deletion.
Coding change: c.37_49del on transcript NM_000051.4 (MANE Select); coding-DNA positions 37 to 49, 13 bases deleted (CGTCAACTAGAAC).
Protein change: p.Arg13fs; shifts the reading frame from arginine 13.
Molecular consequence: frameshift variant.
Genome position (GRCh38, 1-based): chr11:108,227,661-108,227,673, CGTCAACTAGAAC deleted; deleting any 13 consecutive bases within chr11:108,227,660-108,227,673 gives the same sequence; the c. name uses the placement nearest the transcript's 3' end. VCF-style (leftmost placement, unchanged base first): chr11-108227659-GCCGTCAACTAGAA-G. GRCh37 (hg19) VCF-style: chr11-108098386-GCCGTCAACTAGAA-G.
Other names: c.37_49del, p.Arg13fs (NM_001351834.2, NM_001351835.2, NM_001351836.2); short protein forms R13fs.
Identifiers: ClinVar variation 3772602 (VCV003772602.13).

ClinVar aggregate classification (germline): Pathogenic (1 of 4 stars; one submission).

Submission:

CeGaT Center for Human Genetics Tuebingen
Classification: Pathogenic. Last evaluated: 2025-02-01. Review status: criteria provided, single submitter. Criteria: CeGaT Center For Human Genetics Tuebingen Variant Classification Criteria Version 2. Collection method: clinical testing. Allele origin: germline. Affected: yes. Observed: 1 variant allele.
Comment: ATM: PVS1, PM2